The following is an entry in ClinVar:

ClinVar aggregate classification (germline): Pathogenic (1 of 4 stars; one submission).

Conditions:
Hereditary angioedema type 1 (HAE1). Identifiers: Orphanet 100050, Orphanet 100051, Orphanet 91378, MedGen C2717906, MONDO:0015053, OMIM 106100.

Submission:

DNA-diagnostics Laboratory, Research Centre For Medical Genetics
Classification: Pathogenic for Hereditary angioedema type 1. Last evaluated: 2024-08-03. Review status: criteria provided, single submitter. Criteria: ACMG Guidelines, 2015. Collection method: research. Allele origin: germline. Inheritance: Autosomal dominant inheritance. Affected: yes. Observed: 1 heterozygote.
Comment: According to published information (Andrejević et al., 2015, Loules et al., 2018, Ponard et all, 2020), the c.301C>T variant in SERPING1 meets ACMG/ClinGen SVI guidance criteria to be classified as pathogenic: PVS1, PP4_Str, PS4_Mod, PM2_Sup, PP1

Literature cited by the submitters: PubMed 26535898; DOI 10.1016/j.gene.2018.05.029; DOI 10.1002/humu.23917.

NM_000062.3(SERPING1):c.301C>T (p.Gln101Ter)

Gene: SERPING1 (serpin family G member 1; plus strand). Cytogenetic location: 11q12.1.
Variant type: single nucleotide variant.
Coding change: c.301C>T on transcript NM_000062.3 (MANE Select); coding-DNA position 301, C replaced by T.
Protein change: p.Gln101Ter; replaces glutamine 101 with a stop codon.
Molecular consequence: nonsense.
Genome position (GRCh38, 1-based): chr11:57,600,128, C>T. VCF-style: chr11-57600128-C-T. GRCh37 (hg19) VCF-style: chr11-57367601-C-T.
Other names: c.301C>T, p.Gln101Ter (NM_001032295.2); short protein forms Q101*.
Identifiers: ClinVar variation 3257744 (VCV003257744.2).